The following is an entry in ClinVar:

ClinVar aggregate classification (germline): Uncertain significance. Review status: criteria provided, multiple submitters, no conflicts (2 of 4 stars). 2 submissions from 2 submitters: Uncertain significance (2). Last evaluated 2023-11-16.

Conditions:
Hereditary cancer-predisposing syndrome. Also called: Tumor predisposition; Hereditary Cancer Syndrome; Hereditary neoplastic syndrome; Neoplastic Syndromes, Hereditary. Identifiers: Orphanet 140162, MedGen C0027672, MeSH D009386, MONDO:0015356.
Ataxia-telangiectasia syndrome (AT). Also called: ATAXIA-TELANGIECTASIA, COMPLEMENTATION GROUP A; ATAXIA-TELANGIECTASIA, FRESNO VARIANT; Ataxia-telangiectasia; Ataxia-telangiectasia, complementation group E; LOUIS-BAR SYNDROME; Cerebello-oculocutaneous telangiectasia. Identifiers: Orphanet 100, MedGen C0004135, MONDO:0008840, OMIM 208900.

gnomAD v4.1: 1 of 1,614,072 alleles (0.000062%); highest among the groups gnomAD compares: Non-Finnish European, 0.000085%; no homozygotes.

Submissions (2):

Ambry Genetics
Classification: Uncertain significance for Hereditary cancer-predisposing syndrome. Last evaluated: 2023-11-16. Review status: criteria provided, single submitter. Criteria: Ambry Variant Classification Scheme 2023. Collection method: clinical testing. Allele origin: germline.
Comment: The p.V3056L variant (also known as c.9166G>C), located in coding exon 62 of the ATM gene, results from a G to C substitution at nucleotide position 9166. The valine at codon 3056 is replaced by leucine, an amino acid with highly similar properties. This amino acid position is highly conserved in available vertebrate species. In addition, this alteration is predicted to be tolerated by in silico analysis. Since supporting evidence is limited at this time, the clinical significance of this alteration remains unclear.

Labcorp Genetics (formerly Invitae), Labcorp
Classification: Uncertain significance for Ataxia-telangiectasia syndrome. Last evaluated: 2022-02-20. Review status: criteria provided, single submitter. Criteria: Invitae Variant Classification Sherloc (09022015). Collection method: clinical testing. Allele origin: germline.
Comment: In summary, the available evidence is currently insufficient to determine the role of this variant in disease. Therefore, it has been classified as a Variant of Uncertain Significance. Algorithms developed to predict the effect of sequence changes on RNA splicing suggest that this variant may disrupt the consensus splice site. Algorithms developed to predict the effect of missense changes on protein structure and function are either unavailable or do not agree on the potential impact of this missense change (SIFT: "Tolerated"; PolyPhen-2: "Possibly Damaging"; Align-GVGD: "Class C0"). This variant has not been reported in the literature in individuals affected with ATM-related conditions. This variant is present in population databases (no rsID available, gnomAD 0.0009%). This sequence change replaces valine, which is neutral and non-polar, with leucine, which is neutral and non-polar, at codon 3056 of the ATM protein (p.Val3056Leu).

NM_000051.4(ATM):c.9166G>C (p.Val3056Leu)

Genes: ATM (ATM serine/threonine kinase; plus strand), C11orf65 (chromosome 11 open reading frame 65; minus strand). Cytogenetic location: 11q22.3.
Variant type: single nucleotide variant.
Coding change: c.9166G>C on transcript NM_000051.4 (MANE Select); coding-DNA position 9166, G replaced by C.
Protein change: p.Val3056Leu; replaces valine 3056 with leucine.
Molecular consequence: missense variant. On other transcripts: intron variant (2).
Genome position (GRCh38, 1-based): chr11:108,365,503, G>C. VCF-style: chr11-108365503-G-C. GRCh37 (hg19) VCF-style: chr11-108236230-G-C.
Other names: c.9166G>C, p.Val3056Leu (NM_001351834.2); c.640+20417C>G (NM_001330368.2); c.694+20417C>G (NM_001351110.2); short protein forms V3056L.
Identifiers: ClinVar variation 2100366 (VCV002100366.5), dbSNP rs371767164, ClinGen allele CA382532204.